The following is an entry in ClinVar:

NM_005850.5(SF3B4):c.1168C>T (p.Arg390Ter)

Gene: SF3B4 (splicing factor 3b subunit 4; minus strand). Cytogenetic location: 1q21.2.
Variant type: single nucleotide variant.
Coding change: c.1168C>T on transcript NM_005850.5 (MANE Select); coding-DNA position 1168, C replaced by T.
Protein change: p.Arg390Ter; replaces arginine 390 with a stop codon.
Molecular consequence: nonsense.
Genome position (GRCh38, 1-based): chr1:149,923,649, G>A on the plus strand (C>T on the coding strand, the complement: SF3B4 is on the minus strand). VCF-style: chr1-149923649-G-A. GRCh37 (hg19) VCF-style: chr1-149895541-G-A.
Other names: short protein forms R390*.
Identifiers: ClinVar variation 1695781 (VCV001695781.3), dbSNP rs2101642546, ClinGen allele CA342273499.
Genomic context (GRCh38, chr1:149,923,649, plus strand): 5'-GCCGGGGAGTGGGTCTGGGTGGAGGGAGAGGCCCCCGCTGGTAGCCATAGGGTGGGGGTC[G>A]TGGAGGGCCAGTGTATCCATGGGGGGGCATCAGTGGAGGAGGTCCACGCATACCATGCGG-3'

ClinVar aggregate classification (germline): Likely pathogenic (1 of 4 stars; one submission).

Submission:

GeneDx
Classification: Likely pathogenic. Last evaluated: 2024-07-16. Review status: criteria provided, single submitter. Criteria: GeneDx Variant Classification Process June 2021. Collection method: clinical testing. Allele origin: germline. Affected: yes.
Comment: Identified in a patient with metopic craniosynostosis, brachydactyly, cafe-au-lait spots, and dysmorphic facial features in published literature (PMID: 33559401); Nonsense variant predicted to result in protein truncation, as the last 35 amino acids are lost, and other loss-of-function variants have been reported downstream in HGMD; Not observed at significant frequency in large population cohorts (gnomAD); This variant is associated with the following publications: (PMID: 33559401)